The following is an entry in ClinVar:

ClinVar aggregate classification (germline): Uncertain significance (1 of 4 stars; one submission).

Conditions:
CHARGE syndrome (CHARGE). Also called: Hittner Hirsch Kreh syndrome; CHARGE ASSOCIATION--COLOBOMA, HEART ANOMALY, CHOANAL ATRESIA, RETARDATION, GENITAL AND EAR ANOMALIES; Coloboma, heart anomaly, choanal atresia, retardation, genital and ear anomalies; CHARGE association; Hall-Hittner syndrome. Identifiers: Orphanet 138, MedGen C0265354, MONDO:0008965.

Allele frequency attached by ClinVar (database versions not stated): gnomAD exomes 0.00001.
gnomAD v4.1: 10 of 1,613,624 alleles (0.00062%); highest among the groups gnomAD compares: South Asian, 0.0011%; no homozygotes.

Submission:

Labcorp Genetics (formerly Invitae), Labcorp
Classification: Uncertain significance for CHARGE syndrome. Last evaluated: 2022-08-19. Review status: criteria provided, single submitter. Criteria: Invitae Variant Classification Sherloc (09022015). Collection method: clinical testing. Allele origin: germline.
Comment: This sequence change replaces methionine, which is neutral and non-polar, with valine, which is neutral and non-polar, at codon 2289 of the CHD7 protein (p.Met2289Val). This variant is not present in population databases (gnomAD no frequency). This variant has not been reported in the literature in individuals affected with CHD7-related conditions. Advanced modeling of protein sequence and biophysical properties (such as structural, functional, and spatial information, amino acid conservation, physicochemical variation, residue mobility, and thermodynamic stability) performed at Invitae indicates that this missense variant is not expected to disrupt CHD7 protein function. In summary, the available evidence is currently insufficient to determine the role of this variant in disease. Therefore, it has been classified as a Variant of Uncertain Significance.

NM_017780.4(CHD7):c.6865A>G (p.Met2289Val)

Gene: CHD7 (chromodomain helicase DNA binding protein 7; plus strand). Cytogenetic location: 8q12.2.
Variant type: single nucleotide variant.
Coding change: c.6865A>G on transcript NM_017780.4 (MANE Select); coding-DNA position 6865, A replaced by G.
Protein change: p.Met2289Val; replaces methionine 2289 with valine.
Molecular consequence: missense variant. On other transcripts: intron variant (1).
Genome position (GRCh38, 1-based): chr8:60,854,452, A>G. VCF-style: chr8-60854452-A-G. GRCh37 (hg19) VCF-style: chr8-61767011-A-G.
Other names: c.1717-7777A>G (NM_001316690.1); short protein forms M2289V.
Identifiers: ClinVar variation 2176119 (VCV002176119.4), dbSNP rs2488057356, ClinGen allele CA371294946.
Genomic context (GRCh38, chr8:60,854,452, plus strand): 5'-GATGAAGAAAGCAATGCTTCCATGAGCACTGCTAGAGATGAAACCCGAGATGGATTCTAC[A>G]TGGAGGACGGAGATCCTTCAGTAGCTCAGCTCCTTCATGAAAGAACATTTGCCTTCTCGT-3'
Protein context (NP_060250.2, residues 2279-2299): ARDETRDGFY[Met2289Val]EDGDPSVAQL